The following is an entry in ClinVar:

ClinVar aggregate classification (germline): Uncertain significance. Review status: criteria provided, multiple submitters, no conflicts (2 of 4 stars). 2 submissions from 2 submitters: Uncertain significance (2). Last evaluated 2022-12-06.

Conditions:
Inborn genetic diseases. Identifiers: MedGen C0950123, MeSH D030342.

Allele frequency attached by ClinVar (database versions not stated): TOPMed below 0.00001; ExAC 0.00002.
gnomAD v4.1: 6 of 1,600,482 alleles (0.00037%); highest among the groups gnomAD compares: Admixed American, 0.011%; no homozygotes.

Submissions (2):

Labcorp Genetics (formerly Invitae), Labcorp
Classification: Uncertain significance. Last evaluated: 2022-12-06. Review status: criteria provided, single submitter. Criteria: Invitae Variant Classification Sherloc (09022015). Collection method: clinical testing. Allele origin: germline.
Comment: This variant is present in population databases (rs749774930, gnomAD 0.02%). This sequence change replaces aspartic acid, which is acidic and polar, with glutamic acid, which is acidic and polar, at codon 834 of the MAST1 protein (p.Asp834Glu). This variant has not been reported in the literature in individuals affected with MAST1-related conditions. Algorithms developed to predict the effect of missense changes on protein structure and function output the following: SIFT: "Tolerated"; PolyPhen-2: "Benign"; Align-GVGD: "Class C0". The glutamic acid amino acid residue is found in multiple mammalian species, which suggests that this missense change does not adversely affect protein function. In summary, the available evidence is currently insufficient to determine the role of this variant in disease. Therefore, it has been classified as a Variant of Uncertain Significance.

Ambry Genetics
Classification: Uncertain significance for Inborn genetic diseases. Last evaluated: 2021-07-06. Review status: criteria provided, single submitter. Criteria: Ambry Variant Classification Scheme 2023. Collection method: clinical testing. Allele origin: germline.

NM_014975.3(MAST1):c.2502T>A (p.Asp834Glu)

Genes: MAST1 (microtubule associated serine/threonine kinase 1; plus strand), LOC112543452 (Sharpr-MPRA regulatory region 6054; plus strand). Cytogenetic location: 19p13.13.
Variant type: single nucleotide variant.
Coding change: c.2502T>A on transcript NM_014975.3 (MANE Select); coding-DNA position 2502, T replaced by A.
Protein change: p.Asp834Glu; replaces aspartic acid 834 with glutamic acid.
Molecular consequence: missense variant.
Genome position (GRCh38, 1-based): chr19:12,867,913, T>A. VCF-style: chr19-12867913-T-A. GRCh37 (hg19) VCF-style: chr19-12978727-T-A.
Other names: short protein forms D834E.
Identifiers: ClinVar variation 1976620 (VCV001976620.6), dbSNP rs749774930, ClinGen allele CA9233160.